The following is an entry in ClinVar:

NM_144585.4(SLC22A12):c.690A>G (p.Arg230=)

Gene: SLC22A12 (solute carrier family 22 member 12; plus strand). Cytogenetic location: 11q13.1.
Variant type: single nucleotide variant.
Coding change: c.690A>G on transcript NM_144585.4 (MANE Select); coding-DNA position 690, A replaced by G.
Protein change: p.Arg230=; no amino-acid change (arginine 230 retained).
Molecular consequence: synonymous variant. On other transcripts: intron variant (1).
Genome position (GRCh38, 1-based): chr11:64,593,663, A>G. VCF-style: chr11-64593663-A-G. GRCh37 (hg19) VCF-style: chr11-64361135-A-G.
Other names: c.588A>G, p.Arg196= (NM_001276326.2); c.27A>G, p.Arg9= (NM_153378.3); c.506+781A>G (NM_001276327.2).
Identifiers: ClinVar variation 4979082 (VCV004979082.1).

ClinVar aggregate classification (germline): Likely benign (1 of 4 stars; one submission).

Conditions:
SLC22A12-related disorder. Also called: SLC22A12-related condition.

gnomAD v4.1: 96 of 1,613,868 alleles (0.0059%); highest among the groups gnomAD compares: Non-Finnish European, 0.0079%; no homozygotes.

Submission:

PreventionGenetics, part of Exact Sciences
Classification: Likely benign for SLC22A12-related condition. Last evaluated: 2025-01-16. Review status: criteria provided, single submitter. Criteria: ACMG Guidelines, 2015. Collection method: clinical testing. Allele origin: germline.
Comment: This variant is classified as likely benign based on ACMG/AMP sequence variant interpretation guidelines (Richards et al. 2015 PMID: 25741868, with internal and published modifications).